The following is an entry in ClinVar:

ClinVar aggregate classification (germline): Uncertain significance (1 of 4 stars; one submission).

Conditions:
Intellectual developmental disorder, X-linked 19. Also called: Intellectual disability, X-linked 19. Identifiers: Orphanet 777, MedGen C0796225, MONDO:0010447, OMIM 300844.
Coffin-Lowry syndrome (CLS). Also called: COFFIN-LOWRY SYNDROME, MILD; Mental retardation with osteocartilaginous abnormalities. Identifiers: Orphanet 192, MedGen C0265252, MONDO:0010561, OMIM 303600.

Submission:

Labcorp Genetics (formerly Invitae), Labcorp
Classification: Uncertain significance for Coffin-Lowry syndrome; Intellectual developmental disorder, X-linked 19. Last evaluated: 2023-03-01. Review status: criteria provided, single submitter. Criteria: Invitae Variant Classification Sherloc (09022015). Collection method: clinical testing. Allele origin: germline.
Comment: In summary, the available evidence is currently insufficient to determine the role of this variant in disease. Therefore, it has been classified as a Variant of Uncertain Significance. Advanced modeling of protein sequence and biophysical properties (such as structural, functional, and spatial information, amino acid conservation, physicochemical variation, residue mobility, and thermodynamic stability) performed at Invitae indicates that this missense variant is not expected to disrupt RPS6KA3 protein function. This variant has not been reported in the literature in individuals affected with RPS6KA3-related conditions. This variant is not present in population databases (gnomAD no frequency). This sequence change replaces methionine, which is neutral and non-polar, with valine, which is neutral and non-polar, at codon 446 of the RPS6KA3 protein (p.Met446Val).

NM_004586.3(RPS6KA3):c.1336A>G (p.Met446Val)

Gene: RPS6KA3 (ribosomal protein S6 kinase A3; minus strand). Cytogenetic location: Xp22.12.
Variant type: single nucleotide variant.
Coding change: c.1336A>G on transcript NM_004586.3 (MANE Select); coding-DNA position 1336, A replaced by G.
Protein change: p.Met446Val; replaces methionine 446 with valine.
Molecular consequence: missense variant.
Genome position (GRCh38, 1-based): chrX:20,172,763, T>C on the plus strand (A>G on the coding strand, the complement: RPS6KA3 is on the minus strand). VCF-style: chrX-20172763-T-C. GRCh37 (hg19) VCF-style: chrX-20190881-T-C.
Other names: short protein forms M446V.
Identifiers: ClinVar variation 2937146 (VCV002937146.3), dbSNP rs2519665132, ClinGen allele CA412516062.